The following is an entry in ClinVar:

ClinVar aggregate classification (germline): Pathogenic. Review status: criteria provided, multiple submitters, no conflicts (2 of 4 stars). 2 submissions from 2 submitters: Pathogenic (2). Last evaluated 2023-05-15.

Conditions:
Hereditary cancer-predisposing syndrome. Also called: Hereditary Cancer Syndrome; Hereditary neoplastic syndrome; Neoplastic Syndromes, Hereditary; Tumor predisposition. Identifiers: Orphanet 140162, MedGen C0027672, MeSH D009386, MONDO:0015356.
Familial adenomatous polyposis 1 (FAP1). Also called: FAMILIAL ADENOMATOUS POLYPOSIS 1, ATTENUATED; POLYPOSIS, ADENOMATOUS INTESTINAL. Identifiers: MedGen C2713442, MONDO:0021056, OMIM 175100. Disease mechanism: loss of function.

Submissions (2):

Myriad Genetics, Inc.
Classification: Pathogenic for Familial adenomatous polyposis 1. Last evaluated: 2023-05-15. Review status: criteria provided, single submitter. Criteria: Myriad Autosomal Dominant, Autosomal Recessive and X-Linked Classification Criteria (2023). Collection method: clinical testing. Allele origin: unknown.
Comment: This variant is considered pathogenic. This variant creates a frameshift predicted to result in premature protein truncation.

Ambry Genetics
Classification: Pathogenic for Hereditary cancer-predisposing syndrome. Last evaluated: 2021-05-26. Review status: criteria provided, single submitter. Criteria: Ambry Variant Classification Scheme 2023. Collection method: clinical testing. Allele origin: germline.
Comment: The c.5862delT pathogenic mutation, located in coding exon 15 of the APC gene, results from a deletion of one nucleotide at nucleotide position 5862, causing a translational frameshift with a predicted alternate stop codon (p.F1954Lfs*16). This alteration occurs at the 3' terminus of theAPC gene, is not expected to trigger nonsense-mediated mRNA decay, and impacts the last 890 amino acids of the protein. However, premature stop codons are typically deleterious in nature and the impacted region is critical for protein function (Ambry internal data). This alteration is expected to result in loss of function by premature protein truncation or nonsense-mediated mRNA decay. As such, this alteration is interpreted as a disease-causing mutation.

NM_000038.6(APC):c.5862del (p.Phe1954fs)

Gene: APC (APC regulator of Wnt signaling pathway; plus strand). Cytogenetic location: 5q22.2.
Variant type: Deletion.
Coding change: c.5862del on transcript NM_000038.6 (MANE Select); coding-DNA position 5862, one base deleted (T; older notation c.5862delT).
Protein change: p.Phe1954fs; shifts the reading frame from phenylalanine 1954.
Molecular consequence: frameshift variant.
Genome position (GRCh38, 1-based): chr5:112,841,456, T deleted; the last of 4 consecutive T bases (chr5:112,841,453-112,841,456); deleting any one gives the same sequence. VCF-style (leftmost placement, unchanged base first): chr5-112841452-AT-A. GRCh37 (hg19) VCF-style: chr5-112177149-AT-A.
Other names: c.5862del, p.Phe1954fs (NM_001127510.3, NM_001354895.2); c.5808del, p.Phe1936fs (NM_001127511.3); c.5916del, p.Phe1972fs (NM_001354896.2); c.5892del, p.Phe1964fs (NM_001354897.2); c.5787del, p.Phe1929fs (NM_001354898.2); c.5778del, p.Phe1926fs (NM_001354899.2); c.5739del, p.Phe1913fs (NM_001354900.2); c.5685del, p.Phe1895fs (NM_001354901.2); and 16 more; short protein forms F1853fs, F1828fs, F1913fs, F1929fs, F1964fs, F1972fs, F1794fs, F1863fs.
Identifiers: ClinVar variation 1750153 (VCV001750153.4), dbSNP rs2149951087, ClinGen allele CA2580072768.
Genomic context (GRCh38, chr5:112,841,452, plus strand): 5'-TTCCCCAGTCATCCAAAGACATACCAGACAGAGGGGCAGCAACTGATGAAAAGTTACAGA[AT>A]TTTGCTATTGAAAATACTCCGGTTTGCTTTTCTCATAATTCCTCTCTGAGTTCTCTCAGT-3'